The following is an entry in ClinVar:

NM_001128922.2(LRRC32):c.903C>G (p.Pro301=)

Genes: LRRC32 (leucine rich repeat containing 32; minus strand), LRRC32-AS1 (LRRC32 antisense RNA 1; plus strand). Cytogenetic location: 11q13.5.
Variant type: single nucleotide variant.
Coding change: c.903C>G on transcript NM_001128922.2 (MANE Select); coding-DNA position 903, C replaced by G.
Protein change: p.Pro301=; no amino-acid change (proline 301 retained).
Molecular consequence: synonymous variant. On other transcripts: non-coding transcript variant (1), intron variant (1).
Genome position (GRCh38, 1-based): chr11:76,660,690, G>C on the plus strand (C>G on the coding strand, the complement: LRRC32 is on the minus strand). VCF-style: chr11-76660690-G-C. GRCh37 (hg19) VCF-style: chr11-76371734-G-C.
Other names: c.903C>G, p.Pro301= (NM_001370187.1, NM_001370188.1, NM_005512.3); c.837C>G, p.Pro279= (NM_001370189.1); c.573C>G, p.Pro191= (NM_001370190.1); c.85-2656C>G (NM_001370191.1).
Identifiers: ClinVar variation 4980263 (VCV004980263.1).
Genomic context (GRCh38, chr11:76,660,690, plus strand): 5'-ATCCAGATTCAAGAGCTGGGAAAGGGGGCGGCCGCTGGCATTCCCGCTGGGGGCTGAGAG[G>C]GGCAGGGCTGACCAGCCCTCGGAAGGTGCGTGGATGCCCTTGCTGTCCTGGGGTGGCCCT-3'
Protein context (NP_001122394.1, residues 291-311): HAPSEGWSAL[Pro301=]LSAPSGNASG

ClinVar aggregate classification (germline): Likely benign (1 of 4 stars; one submission).

Conditions:
LRRC32-related disorder. Also called: LRRC32-related condition.

gnomAD v4.1: 462 of 1,614,114 alleles (0.029%); highest among the groups gnomAD compares: African/African-American, 0.55%; no homozygotes.

Submission:

PreventionGenetics, part of Exact Sciences
Classification: Likely benign for LRRC32-related condition. Last evaluated: 2025-06-16. Review status: criteria provided, single submitter. Criteria: ACMG Guidelines, 2015. Collection method: clinical testing. Allele origin: germline.
Comment: This variant is classified as likely benign based on ACMG/AMP sequence variant interpretation guidelines (Richards et al. 2015 PMID: 25741868, with internal and published modifications).